The following is an entry in ClinVar:

NM_001378687.1(ATP2C1):c.1623G>C (p.Leu541Phe)

Gene: ATP2C1 (ATPase secretory pathway Ca2+ transporting 1; plus strand). Cytogenetic location: 3q22.1.
Variant type: single nucleotide variant.
Coding change: c.1623G>C on transcript NM_001378687.1 (MANE Select); coding-DNA position 1623, G replaced by C.
Protein change: p.Leu541Phe; replaces leucine 541 with phenylalanine.
Molecular consequence: missense variant.
Genome position (GRCh38, 1-based): chr3:130,979,301, G>C. VCF-style: chr3-130979301-G-C. GRCh37 (hg19) VCF-style: chr3-130698145-G-C.
Other names: c.1623G>C, p.Leu541Phe (NM_001001485.3, NM_001001486.2, NM_001001487.2 and 5 more transcripts); c.1725G>C, p.Leu575Phe (NM_001199180.2, NM_001199181.3, NM_001378511.1); c.1608G>C, p.Leu536Phe (NM_001199182.2); c.1575G>C, p.Leu525Phe (NM_001199183.2, NM_001199184.3, NM_001378514.1); short protein forms L541F, L575F, L525F, L536F.
Identifiers: ClinVar variation 377375 (VCV000377375.12), dbSNP rs61731516, ClinGen allele CA2615176.

ClinVar aggregate classification (germline): Benign. Review status: criteria provided, multiple submitters, no conflicts (2 of 4 stars). 5 submissions from 5 submitters: Benign (4). 1 of the submissions does not count toward it. Last evaluated 2025-11-06.

Conditions:
ATP2C1-related disorder. Also called: ATP2C1-related condition.
Familial benign pemphigus (HHD). Identifiers: Orphanet 2841, MedGen C0085106, MONDO:0008218, OMIM 169600.

Allele frequency attached by ClinVar (database versions not stated): gnomAD exomes 0.00124; ExAC 0.00155; TOPMed 0.00464; gnomAD 0.00466; ESP Exome Variant Server 0.00507; 1000 Genomes Project 0.00619; 1000 Genomes Project 30x 0.00625.
gnomAD v4.1: 1,367 of 1,613,532 alleles (0.085%); highest among the groups gnomAD compares: African/African-American, 1.6%; 11 homozygotes.

Submissions (5):

Labcorp Genetics (formerly Invitae), Labcorp
Classification: Benign. Last evaluated: 2025-11-06. Review status: criteria provided, single submitter. Criteria: Invitae Variant Classification Sherloc (09022015). Collection method: clinical testing. Allele origin: germline.

Illumina Laboratory Services, Illumina
Classification: Benign for Familial benign pemphigus. Last evaluated: 2018-01-13. Review status: criteria provided, single submitter. Criteria: ICSL Variant Classification Criteria 13 December 2019. Collection method: clinical testing. Allele origin: germline.
Comment: This variant was observed in the ICSL laboratory as part of a predisposition screen in an ostensibly healthy population. It had not been previously curated by ICSL or reported in the Human Gene Mutation Database (HGMD: prior to June 1st, 2018), and was therefore a candidate for classification through an automated scoring system. Utilizing variant allele frequency, disease prevalence and penetrance estimates, and inheritance mode, an automated score was calculated to assess if this variant is too frequent to cause the disease. Based on the score and internal cut-off values, a variant classified as benign is not then subjected to further curation. The score for this variant resulted in a classification of benign for this disease.

Center for Pediatric Genomic Medicine, Children's Mercy Hospital and Clinics
Classification: Benign. Last evaluated: 2017-01-23. Review status: criteria provided, single submitter. Criteria: ACMG Guidelines, 2015. Collection method: clinical testing. Allele origin: germline.

Breakthrough Genomics
Classification: Benign. Review status: criteria provided, single submitter. Criteria: ACMG Guidelines, 2015. Collection method: not provided. Allele origin: germline. Inheritance: Autosomal dominant inheritance. Affected: yes.

PreventionGenetics, part of Exact Sciences
Classification: Benign for ATP2C1-related condition. Last evaluated: 2019-06-19. Review status: no assertion criteria provided. Collection method: clinical testing. Allele origin: germline. Not counted in ClinVar's aggregate classification.
Comment: This variant is classified as benign based on ACMG/AMP sequence variant interpretation guidelines (Richards et al. 2015 PMID: 25741868, with internal and published modifications).